The following is an entry in ClinVar:

NM_058216.3(RAD51C):c.935G>C (p.Arg312Pro)

Gene: RAD51C (RAD51 paralog C; plus strand). Cytogenetic location: 17q22.
Variant type: single nucleotide variant.
Coding change: c.935G>C on transcript NM_058216.3 (MANE Select); coding-DNA position 935, G replaced by C.
Protein change: p.Arg312Pro; replaces arginine 312 with proline.
Molecular consequence: missense variant. On other transcripts: non-coding transcript variant (1).
Genome position (GRCh38, 1-based): chr17:58,724,070, G>C. VCF-style: chr17-58724070-G-C. GRCh37 (hg19) VCF-style: chr17-56801431-G-C.
Other names: short protein forms R312P.
Identifiers: ClinVar variation 4856774 (VCV004856774.1).

ClinVar aggregate classification (germline): Likely pathogenic (1 of 4 stars; one submission).

Conditions:
Breast-ovarian cancer, familial, susceptibility to, 3. Also called: RAD51C-Related Breast/Ovarian Cancer. Identifiers: Orphanet 145, MedGen C3150659, MONDO:0013253, OMIM 613399.

Submission:

Myriad Genetics, Inc.
Classification: Likely pathogenic for Breast-ovarian cancer, familial, susceptibility to, 3. Last evaluated: 2026-01-30. Review status: criteria provided, single submitter. Criteria: Myriad Autosomal Dominant, Autosomal Recessive and X-Linked Classification Criteria (2023). Collection method: clinical testing. Allele origin: unknown.
Comment: This variant is considered likely pathogenic. Functional studies indicate this variant impacts protein function [PMID: 39299233]. This variant is expected to disrupt protein structure [Myriad internal data].

Literature cited by the submitters: PubMed 39299233.